The following is an entry in ClinVar:

ClinVar aggregate classification (germline): Likely pathogenic (1 of 4 stars; one submission).

Submission:

GeneDx
Classification: Likely pathogenic. Last evaluated: 2019-02-27. Review status: criteria provided, single submitter. Criteria: GeneDx Variant Classification (06012015). Collection method: clinical testing. Allele origin: germline. Affected: yes.
Comment: The c.853delG variant in the CHRNE gene causes a frameshift starting with codon Valine 285, changes this amino acid to a Serine residue, and creates a premature Stop codon at position 15 of the new reading frame, denoted p.Val285SerfsX15. This variant is predicted to cause loss of normal protein function either through protein truncation or nonsense-mediated mRNA decay. The c.853delG variant is not observed at a significant frequency in large population cohorts (Lek et al., 2016). Although the c.853delG variant has not been reported as a pathogenic variant to our knowledge, other loss-of-function variants in the CHRNE gene have been reported in the Human Gene Mutation Database in association with congenital myasthenia syndrome (Stenson et al., 2014).

NM_000080.4(CHRNE):c.853del (p.Val285fs)

Genes: C17orf107 (chromosome 17 open reading frame 107; plus strand), CHRNE (cholinergic receptor nicotinic epsilon subunit; minus strand). Cytogenetic location: 17p13.2.
Variant type: Deletion.
Coding change: c.853del on transcript NM_000080.4 (MANE Select); coding-DNA position 853, one base deleted (G; older notation c.853delG).
Protein change: p.Val285fs; shifts the reading frame from valine 285.
Molecular consequence: frameshift variant. On other transcripts: 3 prime UTR variant (1).
Genome position (GRCh38, 1-based): chr17:4,900,857, C deleted on the plus strand (G on the coding strand, the reverse complement: CHRNE is on the minus strand). VCF-style (leftmost placement, unchanged base first): chr17-4900856-AC-A. GRCh37 (hg19) VCF-style: chr17-4804151-AC-A.
Other names: c.*324del (NM_001145536.2); short protein forms V285fs.
Identifiers: ClinVar variation 818012 (VCV000818012.1), dbSNP rs1445801336, ClinGen allele CA624856048.
Genomic context (GRCh38, chr17:4,900,856, plus strand): 5'-CCCAGGAGCGGCACGCTCAGAGAAGTCTCTGGGATTTTCTGGGCAATGAGGAACAAGAAG[AC>A]GGTCTGGGCGAGCAGGACGTTGATGGAGACCGTGCATTTCTGGCCGCCGGCTGGAGGGAG-3'